The following is an entry in ClinVar:

ClinVar aggregate classification (germline): Uncertain significance (1 of 4 stars; one submission).

Allele frequency attached by ClinVar (database versions not stated): gnomAD exomes below 0.00001.
gnomAD v4.1: 1 of 1,550,796 alleles (0.000064%); highest among the groups gnomAD compares: Admixed American, 0.002%; no homozygotes.

Submission:

Labcorp Genetics (formerly Invitae), Labcorp
Classification: Uncertain significance. Last evaluated: 2023-11-15. Review status: criteria provided, single submitter. Criteria: Invitae Variant Classification Sherloc (09022015). Collection method: clinical testing. Allele origin: germline.
Comment: This sequence change replaces proline, which is neutral and non-polar, with alanine, which is neutral and non-polar, at codon 567 of the ZSWIM6 protein (p.Pro567Ala). This variant is present in population databases (no rsID available, gnomAD 0.004%). This variant has not been reported in the literature in individuals affected with ZSWIM6-related conditions. Advanced modeling of protein sequence and biophysical properties (such as structural, functional, and spatial information, amino acid conservation, physicochemical variation, residue mobility, and thermodynamic stability) performed at Invitae indicates that this missense variant is not expected to disrupt ZSWIM6 protein function with a negative predictive value of 80%. In summary, the available evidence is currently insufficient to determine the role of this variant in disease. Therefore, it has been classified as a Variant of Uncertain Significance.

NM_020928.2(ZSWIM6):c.1699C>G (p.Pro567Ala)

Gene: ZSWIM6 (zinc finger SWIM-type containing 6; plus strand). Cytogenetic location: 5q12.1.
Variant type: single nucleotide variant.
Coding change: c.1699C>G on transcript NM_020928.2 (MANE Select); coding-DNA position 1699, C replaced by G.
Protein change: p.Pro567Ala; replaces proline 567 with alanine.
Molecular consequence: missense variant.
Genome position (GRCh38, 1-based): chr5:61,526,258, C>G. VCF-style: chr5-61526258-C-G. GRCh37 (hg19) VCF-style: chr5-60822085-C-G.
Other names: short protein forms P567A.
Identifiers: ClinVar variation 2979260 (VCV002979260.3), dbSNP rs968415621, ClinGen allele CA359943666.